The following is an entry in ClinVar:

ClinVar aggregate classification (germline): Likely benign. Review status: criteria provided, multiple submitters, no conflicts (2 of 4 stars). 3 submissions from 3 submitters: Likely benign (3). Last evaluated 2024-11-08.

Allele frequency attached by ClinVar (database versions not stated): ExAC 0.00010; TOPMed 0.00013.
gnomAD v4.1: 209 of 1,614,028 alleles (0.013%); highest among the groups gnomAD compares: South Asian, 0.02%; 1 homozygote.

Submissions (3):

Blueprint Genetics
Classification: Likely benign. Last evaluated: 2024-11-08. Review status: criteria provided, single submitter. Criteria: ACMG Guidelines, 2015. Collection method: clinical testing. Allele origin: germline.

Labcorp Genetics (formerly Invitae), Labcorp
Classification: Likely benign. Last evaluated: 2024-04-25. Review status: criteria provided, single submitter. Criteria: Invitae Variant Classification Sherloc (09022015). Collection method: clinical testing. Allele origin: germline.

Laboratory for Molecular Medicine, Mass General Brigham Personalized Medicine
Classification: Likely benign. Last evaluated: 2017-05-31. Review status: criteria provided, single submitter. Criteria: LMM Criteria. Collection method: clinical testing. Allele origin: germline. Observed: 1 variant allele.
Comment: p.Pro41Pro in exon 2 of TMIE: This variant is not expected to have clinical sign ificance because it does not alter an amino acid residue and is not located with in the splice consensus sequence. It has been identified in 20/126670 European c hromosomes and 7/30782 South Asian chromosomes by the Genome Aggregation Databas e (gnomAD; dbSNP rs765221463).

NM_147196.3(TMIE):c.123G>A (p.Pro41=)

Gene: TMIE (transmembrane inner ear; plus strand). Cytogenetic location: 3p21.31.
Variant type: single nucleotide variant.
Coding change: c.123G>A on transcript NM_147196.3 (MANE Select); coding-DNA position 123, G replaced by A.
Protein change: p.Pro41=; no amino-acid change (proline 41 retained).
Molecular consequence: synonymous variant. On other transcripts: 5 prime UTR variant (2).
Genome position (GRCh38, 1-based): chr3:46,705,819, G>A. VCF-style: chr3-46705819-G-A. GRCh37 (hg19) VCF-style: chr3-46747309-G-A.
Other names: c.-37G>A (NM_001370524.1, NM_001370525.1).
Identifiers: ClinVar variation 517406 (VCV000517406.10), dbSNP rs765221463, ClinGen allele CA2357933.